The following is an entry in ClinVar:

NM_198578.4(LRRK2):c.4954C>G (p.Leu1652Val)

Gene: LRRK2 (leucine rich repeat kinase 2; plus strand). Cytogenetic location: 12q12.
Variant type: single nucleotide variant.
Coding change: c.4954C>G on transcript NM_198578.4 (MANE Select); coding-DNA position 4954, C replaced by G.
Protein change: p.Leu1652Val; replaces leucine 1652 with valine.
Molecular consequence: missense variant.
Genome position (GRCh38, 1-based): chr12:40,320,114, C>G. VCF-style: chr12-40320114-C-G. GRCh37 (hg19) VCF-style: chr12-40713916-C-G.
Other names: short protein forms L1652V.
Identifiers: ClinVar variation 1744347 (VCV001744347.7), dbSNP rs1038811608, ClinGen allele CA235362139.

ClinVar aggregate classification (germline): Uncertain significance. Review status: criteria provided, multiple submitters, no conflicts (2 of 4 stars). 2 submissions from 2 submitters: Uncertain significance (2). Last evaluated 2022-10-29.

Conditions:
Autosomal dominant Parkinson disease 8. Also called: LRRK2-Related Parkinson Disease; Parkinson disease 8; Parkinson disease 8, susceptibility to. Identifiers: Orphanet 411602, MedGen C1846862, MONDO:0011764, OMIM 607060.
Inborn genetic diseases. Identifiers: MedGen C0950123, MeSH D030342.

Allele frequency attached by ClinVar (database versions not stated): TOPMed below 0.00001.

Submissions (2):

Ambry Genetics
Classification: Uncertain significance for Inborn genetic diseases. Last evaluated: 2022-10-29. Review status: criteria provided, single submitter. Criteria: Ambry Variant Classification Scheme 2023. Collection method: clinical testing. Allele origin: germline.
Comment: The p.L1652V variant (also known as c.4954C>G), located in coding exon 34 of the LRRK2 gene, results from a C to G substitution at nucleotide position 4954. The leucine at codon 1652 is replaced by valine, an amino acid with highly similar properties. This amino acid position is conserved. In addition, this alteration is predicted to be deleterious by in silico analysis. Since supporting evidence is limited at this time, the clinical significance of this alteration remains unclear.

Labcorp Genetics (formerly Invitae), Labcorp
Classification: Uncertain significance for Autosomal dominant Parkinson disease 8. Last evaluated: 2021-12-09. Review status: criteria provided, single submitter. Criteria: Invitae Variant Classification Sherloc (09022015). Collection method: clinical testing. Allele origin: germline.
Comment: In summary, the available evidence is currently insufficient to determine the role of this variant in disease. Therefore, it has been classified as a Variant of Uncertain Significance. Algorithms developed to predict the effect of missense changes on protein structure and function are either unavailable or do not agree on the potential impact of this missense change (SIFT: "Deleterious"; PolyPhen-2: "Possibly Damaging"; Align-GVGD: "Class C0"). This variant has not been reported in the literature in individuals affected with LRRK2-related conditions. This variant is not present in population databases (gnomAD no frequency). This sequence change replaces leucine, which is neutral and non-polar, with valine, which is neutral and non-polar, at codon 1652 of the LRRK2 protein (p.Leu1652Val).